The following is an entry in ClinVar:

NM_004415.4(DSP):c.4379A>G (p.Glu1460Gly)

Gene: DSP (desmoplakin; plus strand). Cytogenetic location: 6p24.3.
Variant type: single nucleotide variant.
Coding change: c.4379A>G on transcript NM_004415.4 (MANE Select); coding-DNA position 4379, A replaced by G.
Protein change: p.Glu1460Gly; replaces glutamic acid 1460 with glycine.
Molecular consequence: missense variant. On other transcripts: intron variant (2).
Genome position (GRCh38, 1-based): chr6:7,580,569, A>G. VCF-style: chr6-7580569-A-G. GRCh37 (hg19) VCF-style: chr6-7580802-A-G.
Other names: c.4050+329A>G (NM_001319034.2); c.3582+797A>G (NM_001008844.3); short protein forms E1460G.
Identifiers: ClinVar variation 1517290 (VCV001517290.11), dbSNP rs1759396646, ClinGen allele CA362686177.

ClinVar aggregate classification (germline): Uncertain significance. Review status: criteria provided, multiple submitters, no conflicts (2 of 4 stars). 3 submissions from 3 submitters: Uncertain significance (3). Last evaluated 2025-09-27.

Conditions:
Cardiovascular phenotype. Identifiers: MedGen CN230736.
Cardiomyopathy (CMYO). Also called: Cardiomyopathies. Identifiers: Orphanet 167848, MedGen C0878544, MONDO:0004994, HP:0001638. Inheritance: Various modes of inheritance.
Arrhythmogenic right ventricular dysplasia 8 (ARVD8). Also called: Arrhythmogenic Right Ventricular Dysplasia/Cardiomyopathy 8; ARRHYTHMOGENIC RIGHT VENTRICULAR DYSPLASIA, FAMILIAL, 8; ARRHYTHMOGENIC RIGHT VENTRICULAR CARDIOMYOPATHY 8. Identifiers: MedGen C1843896, MONDO:0011831, OMIM 607450.
Arrhythmogenic cardiomyopathy with wooly hair and keratoderma. Also called: Arrhythmogenic cardiomyopathy with woolly hair and keratoderma; Carvajal syndrome; PALMOPLANTAR KERATODERMA WITH LEFT VENTRICULAR CARDIOMYOPATHY AND WOOLLY HAIR; Dilated cardiomyopathy with woolly hair and keratoderma. Identifiers: Orphanet 65282, MedGen C1854063, MONDO:0011581, OMIM 605676.

Allele frequency attached by ClinVar (database versions not stated): TOPMed below 0.00001.

Submissions (3):

Labcorp Genetics (formerly Invitae), Labcorp
Classification: Uncertain significance for Arrhythmogenic cardiomyopathy with wooly hair and keratoderma; Arrhythmogenic right ventricular dysplasia 8. Last evaluated: 2025-09-27. Review status: criteria provided, single submitter. Criteria: Invitae Variant Classification Sherloc (09022015). Collection method: clinical testing. Allele origin: germline.
Comment: This sequence change replaces glutamic acid, which is acidic and polar, with glycine, which is neutral and non-polar, at codon 1460 of the DSP protein (p.Glu1460Gly). This variant is not present in population databases (gnomAD no frequency). This variant has not been reported in the literature in individuals affected with DSP-related conditions. ClinVar contains an entry for this variant (Variation ID: 1517290). An algorithm developed to predict the effect of missense changes on protein structure and function (PolyPhen-2) suggests that this variant is likely to be tolerated. In summary, the available evidence is currently insufficient to determine the role of this variant in disease. Therefore, it has been classified as a Variant of Uncertain Significance.

Color Diagnostics, LLC DBA Color Health
Classification: Uncertain significance for Cardiomyopathy. Last evaluated: 2025-07-01. Review status: criteria provided, single submitter. Criteria: ACMG Guidelines, 2015. Collection method: clinical testing. Allele origin: germline.
Comment: This missense variant replaces glutamic acid with glycine at codon 1460 of the DSP protein. Computational prediction suggests that this variant may not impact protein structure and function. To our knowledge, functional studies have not been reported for this variant. This variant has not been reported in individuals affected with DSP-related disorders in the literature. This variant has not been identified in the general population by the Genome Aggregation Database (gnomAD). The available evidence is insufficient to determine the role of this variant in disease conclusively. Therefore, this variant is classified as a Variant of Uncertain Significance.

Ambry Genetics
Classification: Uncertain significance for Cardiovascular phenotype. Last evaluated: 2022-06-06. Review status: criteria provided, single submitter. Criteria: Ambry Variant Classification Scheme 2023. Collection method: clinical testing. Allele origin: germline.
Comment: The p.E1460G variant (also known as c.4379A>G), located in coding exon 23 of the DSP gene, results from an A to G substitution at nucleotide position 4379. The glutamic acid at codon 1460 is replaced by glycine, an amino acid with similar properties. This amino acid position is conserved. In addition, the in silico prediction for this alteration is inconclusive. Since supporting evidence is limited at this time, the clinical significance of this alteration remains unclear.